The following is an entry in ClinVar:

ClinVar aggregate classification (germline): Uncertain significance (1 of 4 stars; one submission).

Conditions:
Familial hypocalciuric hypercalcemia (FHH). Also called: Familial benign hypercalcemia. Identifiers: Orphanet 405, MedGen C1809471, MONDO:0018458.
Autosomal dominant hypocalcemia 1 (HYPOC1). Also called: HYPOCALCEMIA, FAMILIAL. Identifiers: MedGen C3715128, MONDO:0011013, OMIM 601198.

Submission:

Labcorp Genetics (formerly Invitae), Labcorp
Classification: Uncertain significance for Familial hypocalciuric hypercalcemia; Autosomal dominant hypocalcemia 1. Last evaluated: 2024-12-15. Review status: criteria provided, single submitter. Criteria: Invitae Variant Classification Sherloc (09022015). Collection method: clinical testing. Allele origin: germline.
Comment: This sequence change replaces glutamic acid, which is acidic and polar, with lysine, which is basic and polar, at codon 79 of the CASR protein (p.Glu79Lys). This variant is not present in population databases (gnomAD no frequency). This variant has not been reported in the literature in individuals affected with CASR-related conditions. ClinVar contains an entry for this variant (Variation ID: 970577). An algorithm developed to predict the effect of missense changes on protein structure and function (PolyPhen-2) suggests that this variant is likely to be disruptive. In summary, the available evidence is currently insufficient to determine the role of this variant in disease. Therefore, it has been classified as a Variant of Uncertain Significance.

NM_000388.4(CASR):c.235G>A (p.Glu79Lys)

Gene: CASR (calcium sensing receptor; plus strand). Cytogenetic location: 3q21.1.
Variant type: single nucleotide variant.
Coding change: c.235G>A on transcript NM_000388.4 (MANE Select); coding-DNA position 235, G replaced by A.
Protein change: p.Glu79Lys; replaces glutamic acid 79 with lysine.
Molecular consequence: missense variant.
Genome position (GRCh38, 1-based): chr3:122,257,130, G>A. VCF-style: chr3-122257130-G-A. GRCh37 (hg19) VCF-style: chr3-121975977-G-A.
Other names: c.235G>A, p.Glu79Lys (NM_001178065.2); short protein forms E79K.
Identifiers: ClinVar variation 970577 (VCV000970577.10), dbSNP rs2074562715, ClinGen allele CA354362450.